The following is an entry in ClinVar:

NM_177438.3(DICER1):c.2650+1G>C

Gene: DICER1 (dicer 1, ribonuclease III; minus strand). Cytogenetic location: 14q32.13.
Variant type: single nucleotide variant.
Coding change: c.2650+1G>C on transcript NM_177438.3 (MANE Select); the canonical splice donor site of the intron after coding-DNA position 2650, G replaced by C.
Molecular consequence: splice donor variant.
Genome position (GRCh38, 1-based): chr14:95,107,879, C>G on the plus strand (G>C on the coding strand, the complement: DICER1 is on the minus strand). VCF-style: chr14-95107879-C-G. GRCh37 (hg19) VCF-style: chr14-95574216-C-G.
Other names: c.2650+1G>C (NM_001291628.2, NM_030621.4, NM_001395677.1 and 12 more transcripts); c.2245+1G>C (NM_001395690.1, NM_001395687.1, NM_001395689.1 and 2 more transcripts); c.2368+1G>C (NM_001395686.1); c.2083+1G>C (NM_001395691.1); c.967+1G>C (NM_001395697.1).
Identifiers: ClinVar variation 4699976 (VCV004699976.1).

ClinVar aggregate classification (germline): Pathogenic/Likely pathogenic. Review status: criteria provided, multiple submitters, no conflicts (2 of 4 stars). 2 submissions from 2 submitters: Pathogenic (1); Likely pathogenic (1). Last evaluated 2025-11-24.

Conditions:
DICER1-related tumor predisposition. Also called: DICER1-related pleuropulmonary blastoma cancer predisposition syndrome; DICER1 syndrome. Identifiers: Orphanet 284343, MedGen C3839822, MONDO:0100216.

Submissions (2):

Labcorp Genetics (formerly Invitae), Labcorp
Classification: Pathogenic for DICER1-related tumor predisposition. Last evaluated: 2025-11-24. Review status: criteria provided, single submitter. Criteria: Invitae Variant Classification Sherloc (09022015). Collection method: clinical testing. Allele origin: germline.
Comment: This sequence change affects a donor splice site in intron 16 of the DICER1 gene. It is expected to disrupt RNA splicing. Variants that disrupt the donor or acceptor splice site typically lead to a loss of protein function (PMID: 16199547), and loss-of-function variants in DICER1 are known to be pathogenic (PMID: 19556464, 21266384). This variant is not present in population databases (gnomAD no frequency). Disruption of this splice site has been observed in individual(s) with pleuropulmonary blastoma (PMID: 33782093). It has also been observed to segregate with disease in related individuals. Algorithms developed to predict the effect of sequence changes on RNA splicing suggest that this variant may disrupt the consensus splice site. For these reasons, this variant has been classified as Pathogenic.

Institute for Genomic Medicine (IGM) Clinical Laboratory, Nationwide Children's Hospital
Classification: Likely pathogenic for DICER1-related tumor predisposition. Last evaluated: 2025-06-24. Review status: criteria provided, single submitter. Criteria: ACMG Guidelines, 2015. Collection method: clinical testing. Allele origin: germline.
Comment: This variant is predicted to result in loss of function through nonsense-mediated decay of the encoded transcript or premature truncation of the encoded protein in a gene in which loss of function is a known mechanism of disease (ACMG/AMP: PVS1). This variant is absent from or present at an exceedingly low frequency in gnomAD, a large-scale control population database (ACMG/AMP: PM2).

Literature cited by the submitters: PubMed 16199547 (cited by Labcorp Genetics (formerly Invitae), Labcorp); PubMed 19556464 (cited by Labcorp Genetics (formerly Invitae), Labcorp); PubMed 21266384 (cited by Labcorp Genetics (formerly Invitae), Labcorp); PubMed 33782093 (cited by Labcorp Genetics (formerly Invitae), Labcorp).